The following is an entry in ClinVar:

NM_000517.6(HBA2):c.118dup (p.Thr40fs)

Genes: HBA2 (hemoglobin subunit alpha 2; plus strand), LOC106804612 (hemoglobin subunit alpha 2 recombination region; plus strand). Cytogenetic location: 16p13.3.
Variant type: Duplication.
Coding change: c.118dup on transcript NM_000517.6 (MANE Select); coding-DNA position 118, one base duplicated (A; older notation c.118dupA).
Protein change: p.Thr40fs; shifts the reading frame from threonine 40.
Molecular consequence: frameshift variant.
Genome position (GRCh38, 1-based): chr16:173,147, A duplicated. VCF-style (leftmost placement, unchanged base first): chr16-173146-C-CA. GRCh37 (hg19) VCF-style: chr16-223145-C-CA.
Other names: c.118dupA (NM_000517.5); short protein forms T40fs.
Identifiers: ClinVar variation 801170 (VCV000801170.3), dbSNP rs1596569673, ClinGen allele CA915946210.

ClinVar aggregate classification (germline): Pathogenic/Likely pathogenic. Review status: criteria provided, multiple submitters, no conflicts (2 of 4 stars). 2 submissions from 2 submitters: Pathogenic (1); Likely pathogenic (1). Last evaluated 2026-01-28.

Conditions:
alpha Thalassemia. Also called: Alpha thalassemia spectrum. Identifiers: Orphanet 846, MedGen C0002312, MONDO:0011399, OMIM 604131.

Submissions (2):

Natera, Inc.
Classification: Likely pathogenic for Alpha thalassemia. Last evaluated: 2026-01-28. Review status: criteria provided, single submitter. Criteria: Natera Variant Classification Schema (03/2026). Collection method: clinical testing. Allele origin: germline.
Comment: The c.118dupA variant in HBA2 is a frameshift variant predicted to shift the reading frame beginning at codon 40 and leads to a stop codon 18 codons downstream. This variant is expected to result in nonsense mediated decay, truncation, or a dysfunctional protein product. This variant is rare in the general population with a frequency below the threshold expected for the associated phenotype(s). Given the available evidence, this variant is classified as Likely Pathogenic.

Quest Diagnostics Nichols Institute San Juan Capistrano
Classification: Pathogenic. Last evaluated: 2019-02-26. Review status: criteria provided, single submitter. Criteria: Quest Diagnostics criteria. Collection method: clinical testing. Allele origin: germline.
Comment: The variant results in a shift of the reading frame, and is therefore predicted to result in the loss of a functional protein. Found in at least one symptomatic patient, and not found in general population data.